The following is an entry in ClinVar:

ClinVar aggregate classification (germline): Likely benign (1 of 4 stars; one submission).

Submission:

GeneDx
Classification: Likely benign. Last evaluated: 2016-03-30. Review status: criteria provided, single submitter. Criteria: GeneDx Variant Classification (06012015). Collection method: clinical testing. Allele origin: germline. Affected: yes.
Comment: This variant is considered likely benign or benign based on one or more of the following criteria: it is a conservative change, it occurs at a poorly conserved position in the protein, it is predicted to be benign by multiple in silico algorithms, and/or has population frequency not consistent with disease.

NM_001205254.2(OCLN):c.237C>T (p.Ile79=)

Gene: OCLN (occludin; plus strand). Cytogenetic location: 5q13.2.
Variant type: single nucleotide variant.
Coding change: c.237C>T on transcript NM_001205254.2 (MANE Select); coding-DNA position 237, C replaced by T.
Protein change: p.Ile79=; no amino-acid change (isoleucine 79 retained).
Molecular consequence: synonymous variant. On other transcripts: intron variant (1).
Genome position (GRCh38, 1-based): chr5:69,509,327, C>T. VCF-style: chr5-69509327-C-T. GRCh37 (hg19) VCF-style: chr5-68805154-C-T.
Other names: c.237C>T, p.Ile79= (NM_001410743.1, NM_001438048.1, NM_001438604.1 and 1 more transcripts); c.-24-4621C>T (NM_001205255.2).
Identifiers: ClinVar variation 384939 (VCV000384939.1), dbSNP rs1057522081, ClinGen allele CA16604975.
Genomic context (GRCh38, chr5:69,509,327, plus strand): 5'-CTCTCCTCCAGGAGTGATTCGGATCCTGTCTATGCTCATTATTGTGATGTGCATTGCCAT[C>T]TTTGCCTGTGTGGCCTCCACGCTTGCCTGGGACAGAGGCTATGGAACTTCCCTTTTAGGA-3'
Protein context (NP_001192183.1, residues 69-89): SMLIIVMCIA[Ile79=]FACVASTLAW